The following is an entry in ClinVar:

ClinVar aggregate classification (germline): Uncertain significance. Review status: criteria provided, multiple submitters, no conflicts (2 of 4 stars). 2 submissions from 2 submitters: Uncertain significance (2). Last evaluated 2025-03-05.

Conditions:
DICER1-related tumor predisposition. Also called: DICER1 syndrome; DICER1-related pleuropulmonary blastoma cancer predisposition syndrome. Identifiers: Orphanet 284343, MedGen C3839822, MONDO:0100216.
Hereditary cancer-predisposing syndrome. Also called: Hereditary neoplastic syndrome; Tumor predisposition; Neoplastic Syndromes, Hereditary; Hereditary Cancer Syndrome. Identifiers: Orphanet 140162, MedGen C0027672, MeSH D009386, MONDO:0015356.

Submissions (2):

Labcorp Genetics (formerly Invitae), Labcorp
Classification: Uncertain significance for DICER1-related tumor predisposition. Last evaluated: 2025-03-05. Review status: criteria provided, single submitter. Criteria: Invitae Variant Classification Sherloc (09022015). Collection method: clinical testing. Allele origin: germline.
Comment: This sequence change replaces glutamic acid, which is acidic and polar, with lysine, which is basic and polar, at codon 1608 of the DICER1 protein (p.Glu1608Lys). This variant is not present in population databases (gnomAD no frequency). This variant has not been reported in the literature in individuals affected with DICER1-related conditions. ClinVar contains an entry for this variant (Variation ID: 2451689). Invitae Evidence Modeling of protein sequence and biophysical properties (such as structural, functional, and spatial information, amino acid conservation, physicochemical variation, residue mobility, and thermodynamic stability) indicates that this missense variant is not expected to disrupt DICER1 protein function with a negative predictive value of 95%. In summary, the available evidence is currently insufficient to determine the role of this variant in disease. Therefore, it has been classified as a Variant of Uncertain Significance.

Ambry Genetics
Classification: Uncertain significance for Hereditary cancer-predisposing syndrome. Last evaluated: 2022-11-11. Review status: criteria provided, single submitter. Criteria: Ambry Variant Classification Scheme 2023. Collection method: clinical testing. Allele origin: germline.
Comment: The p.E1608K variant (also known as c.4822G>A), located in coding exon 22 of the DICER1 gene, results from a G to A substitution at nucleotide position 4822. The glutamic acid at codon 1608 is replaced by lysine, an amino acid with similar properties. This amino acid position is conserved. In addition, the in silico prediction for this alteration is inconclusive. Since supporting evidence is limited at this time, the clinical significance of this alteration remains unclear.

NM_177438.3(DICER1):c.4822G>A (p.Glu1608Lys)

Gene: DICER1 (dicer 1, ribonuclease III; minus strand). Cytogenetic location: 14q32.13.
Variant type: single nucleotide variant.
Coding change: c.4822G>A on transcript NM_177438.3 (MANE Select); coding-DNA position 4822, G replaced by A.
Protein change: p.Glu1608Lys; replaces glutamic acid 1608 with lysine.
Molecular consequence: missense variant. On other transcripts: non-coding transcript variant (6).
Genome position (GRCh38, 1-based): chr14:95,096,098, C>T on the plus strand (G>A on the coding strand, the complement: DICER1 is on the minus strand). VCF-style: chr14-95096098-C-T. GRCh37 (hg19) VCF-style: chr14-95562435-C-T.
Other names: c.4822G>A, p.Glu1608Lys (NM_001195573.1, NM_001271282.3, NM_001291628.2 and 13 more transcripts); c.4540G>A, p.Glu1514Lys (NM_001395686.1); c.4417G>A, p.Glu1473Lys (NM_001395687.1, NM_001395688.1, NM_001395689.1 and 2 more transcripts); c.4255G>A, p.Glu1419Lys (NM_001395691.1); c.3139G>A, p.Glu1047Lys (NM_001395697.1); short protein forms E1473K, E1514K, E1608K, E1047K, E1419K.
Identifiers: ClinVar variation 2451689 (VCV002451689.5), dbSNP rs2139842649, ClinGen allele CA390866962.